The following is an entry in ClinVar:

NM_001384474.1(LOXHD1):c.740C>A (p.Ala247Glu)

Gene: LOXHD1 (lipoxygenase homology PLAT domains 1; minus strand). Cytogenetic location: 18q21.1.
Variant type: single nucleotide variant.
Coding change: c.740C>A on transcript NM_001384474.1 (MANE Select); coding-DNA position 740, C replaced by A.
Protein change: p.Ala247Glu; replaces alanine 247 with glutamic acid.
Molecular consequence: missense variant.
Genome position (GRCh38, 1-based): chr18:46,610,795, G>T on the plus strand (C>A on the coding strand, the complement: LOXHD1 is on the minus strand). VCF-style: chr18-46610795-G-T. GRCh37 (hg19) VCF-style: chr18-44190758-G-T.
Other names: c.740C>A, p.Ala247Glu (NM_144612.7); short protein forms A247E.
Identifiers: ClinVar variation 2151706 (VCV002151706.2), dbSNP rs529247226, ClinGen allele CA299807225.

ClinVar aggregate classification (germline): Uncertain significance. Review status: criteria provided, multiple submitters, no conflicts (2 of 4 stars). 2 submissions from 2 submitters: Uncertain significance (2). Last evaluated 2021-08-13.

Allele frequency attached by ClinVar (database versions not stated): gnomAD 0.00003; 1000 Genomes Project 30x 0.00016; 1000 Genomes Project 0.00020.
gnomAD v4.1: 23 of 1,551,544 alleles (0.0015%); highest among the groups gnomAD compares: Admixed American, 0.027%; no homozygotes.

Submissions (2):

Labcorp Genetics (formerly Invitae), Labcorp
Classification: Uncertain significance. Last evaluated: 2021-08-13. Review status: criteria provided, single submitter. Criteria: Invitae Variant Classification Sherloc (09022015). Collection method: clinical testing. Allele origin: germline.
Comment: This sequence change replaces alanine with glutamic acid at codon 247 of the LOXHD1 protein (p.Ala247Glu). The alanine residue is weakly conserved and there is a moderate physicochemical difference between alanine and glutamic acid. This variant is not present in population databases (ExAC no frequency). This variant has not been reported in the literature in individuals affected with LOXHD1-related conditions. Algorithms developed to predict the effect of missense changes on protein structure and function are either unavailable or do not agree on the potential impact of this missense change (SIFT: "Deleterious"; PolyPhen-2: "Benign"; Align-GVGD: "Class C0"). In summary, the available evidence is currently insufficient to determine the role of this variant in disease. Therefore, it has been classified as a Variant of Uncertain Significance.

Breakthrough Genomics
Classification: Uncertain significance. Review status: criteria provided, single submitter. Criteria: ACMG Guidelines, 2015. Collection method: not provided. Allele origin: germline. Inheritance: Autosomal recessive inheritance. Affected: yes.